The following is an entry in ClinVar:

ClinVar aggregate classification (germline): Pathogenic. Review status: criteria provided, multiple submitters, no conflicts (2 of 4 stars). 3 submissions from 3 submitters: Pathogenic (3). Last evaluated 2026-01-07.
ClinVar aggregate classification (oncogenicity): Likely oncogenic (1 of 4 stars; one submission).

Conditions:
Alpha thalassemia-X-linked intellectual disability syndrome (ATRX). Also called: ALPHA-THALASSEMIA/MENTAL RETARDATION SYNDROME, X-LINKED; ATR, NONDELETION TYPE; ATR-X syndrome; Alpha thalassemia mental retardation syndrome, nondeletion type, X-linked; XLMR hypotonic face syndrome; X-linked alpha-thalassemia-mental retardation syndrome. Identifiers: Orphanet 847, MedGen C1845055, MONDO:0010519, OMIM 301040.
Neoplasm. Also called: tumor; Neoplasms; Neoplasm (disease). Identifiers: MedGen C0027651, MeSH D009369, MONDO:0005070, HP:0002664.

Submissions (4):

Labcorp Genetics (formerly Invitae), Labcorp
Classification: Pathogenic for Alpha thalassemia-X-linked intellectual disability syndrome. Last evaluated: 2026-01-07. Review status: criteria provided, single submitter. Criteria: Invitae Variant Classification Sherloc (09022015). Collection method: clinical testing. Allele origin: germline.
Comment: This sequence change creates a premature translational stop signal (p.Ser576*) in the ATRX gene. It is expected to result in an absent or disrupted protein product. Loss-of-function variants in ATRX are known to be pathogenic (PMID: 15591283, 18409179, 23681356). This variant is not present in population databases (gnomAD no frequency). This premature translational stop signal has been observed in individual(s) with ATRX-related conditions (PMID: 18409179). ClinVar contains an entry for this variant (Variation ID: 976030). For these reasons, this variant has been classified as Pathogenic.

Natera, Inc.
Classification: Pathogenic for X-linked alpha-thalassemia-mental retardation syndrome. Last evaluated: 2025-10-14. Review status: criteria provided, single submitter. Criteria: Natera Variant Classification Schema (03/2026). Collection method: clinical testing. Allele origin: germline.
Comment: The c.1727C>G variant in ATRX is a nonsense variant predicted to introduce a stop codon at amino acid 576. This variant is expected to result in nonsense mediated decay, truncation, or a dysfunctional protein product. This variant is rare in the general population with a frequency below the threshold expected for the associated phenotype(s). This variant has been observed in affected individual(s) with monoallelic occurrence (heterozygous/hemizygous) (PMID: 18409179, 39966947). Given the available evidence, this variant is classified as Pathogenic.

Center for Genomic Medicine, Rigshospitalet, Copenhagen University Hospital
Classification: Likely oncogenic for Neoplasm. Last evaluated: 2025-03-04. Review status: criteria provided, single submitter. Criteria: ClinGen/CGC/VICC Guidelines for Oncogenicity, 2022. Collection method: clinical testing. Allele origin: somatic. Affected: yes.

Institute of Human Genetics, University of Leipzig Medical Center
Classification: Pathogenic for Alpha thalassemia-X-linked intellectual disability syndrome. Last evaluated: 2019-06-18. Review status: criteria provided, single submitter. Criteria: ACMG Guidelines, 2015. Collection method: clinical testing. Allele origin: de novo. Affected: yes. Observed: 1 variant allele.
Comment: This variant was identified as de novo (maternity and paternity confirmed).

Literature cited by the submitters: PubMed 15591283 (cited by Labcorp Genetics (formerly Invitae), Labcorp); PubMed 18409179 (cited by Labcorp Genetics (formerly Invitae), Labcorp and Natera, Inc.); PubMed 23681356 (cited by Labcorp Genetics (formerly Invitae), Labcorp); PubMed 39966947 (cited by Natera, Inc.).

NM_000489.6(ATRX):c.1727C>G (p.Ser576Ter)

Gene: ATRX (ATRX chromatin remodeler; minus strand). Cytogenetic location: Xq21.1.
Variant type: single nucleotide variant.
Coding change: c.1727C>G on transcript NM_000489.6 (MANE Select); coding-DNA position 1727, C replaced by G.
Protein change: p.Ser576Ter; replaces serine 576 with a stop codon.
Molecular consequence: nonsense.
Genome position (GRCh38, 1-based): chrX:77,683,529, G>C on the plus strand (C>G on the coding strand, the complement: ATRX is on the minus strand). VCF-style: chrX-77683529-G-C. GRCh37 (hg19) VCF-style: chrX-76939021-G-C.
Other names: c.1727C>G (NM_000489.5); c.1613C>G, p.Ser538Ter (NM_138270.5); short protein forms S538*, S576*.
Identifiers: ClinVar variation 976030 (VCV000976030.5), dbSNP rs2071372283, ClinGen allele CA413716747.
Genomic context (GRCh38, chrX:77,683,529, plus strand): 5'-GAAAGGGAAACAGGAGTGAGTTTAACATATAATTCTTTTGTTACTTTAGCTGTAGTTTTT[G>C]ATTTAATACCTCCTCTGTTGTCTTTTGAAGAAATATTTAATTTTACAGATGAACTCTCCA-3'